The following is an entry in ClinVar:

ClinVar aggregate classification (germline): Uncertain significance (1 of 4 stars; one submission).

Conditions:
Hereditary cancer-predisposing syndrome. Also called: Tumor predisposition; Hereditary Cancer Syndrome; Hereditary neoplastic syndrome; Neoplastic Syndromes, Hereditary. Identifiers: Orphanet 140162, MedGen C0027672, MeSH D009386, MONDO:0015356.

Submission:

Ambry Genetics
Classification: Uncertain significance for Hereditary cancer-predisposing syndrome. Last evaluated: 2025-10-03. Review status: criteria provided, single submitter. Criteria: Ambry Variant Classification Scheme 2023. Collection method: clinical testing. Allele origin: germline.
Comment: The p.T615R variant (also known as c.1844C>G), located in coding exon 13 of the TSC1 gene, results from a C to G substitution at nucleotide position 1844. The threonine at codon 615 is replaced by arginine, an amino acid with similar properties. This amino acid position is conserved. In addition, this alteration is predicted to be deleterious by in silico analysis. Based on the available evidence, the clinical significance of this variant remains unclear.

NM_000368.5(TSC1):c.1844C>G (p.Thr615Arg)

Gene: TSC1 (TSC complex subunit 1; minus strand). Cytogenetic location: 9q34.13.
Variant type: single nucleotide variant.
Coding change: c.1844C>G on transcript NM_000368.5 (MANE Select); coding-DNA position 1844, C replaced by G.
Protein change: p.Thr615Arg; replaces threonine 615 with arginine.
Molecular consequence: missense variant. On other transcripts: non-coding transcript variant (5).
Genome position (GRCh38, 1-based): chr9:132,905,734, G>C on the plus strand (C>G on the coding strand, the complement: TSC1 is on the minus strand). VCF-style: chr9-132905734-G-C. GRCh37 (hg19) VCF-style: chr9-135781121-G-C.
Other names: c.1481C>G, p.Thr494Arg (NM_001406616.1, NM_001406617.1, NM_001406618.1 and 5 more transcripts); c.1478C>G, p.Thr493Arg (NM_001406620.1, NM_001406621.1, NM_001406622.1 and 2 more transcripts); c.893C>G, p.Thr298Arg (NM_001406626.1); c.890C>G, p.Thr297Arg (NM_001406627.1, NM_001406628.1); c.791C>G, p.Thr264Arg (NM_001406629.1, NM_001406630.1); c.1841C>G, p.Thr614Arg (NM_001162426.2, NM_001406597.1, NM_001406598.1 and 6 more transcripts); c.1691C>G, p.Thr564Arg (NM_001162427.2, NM_001406610.1); c.1844C>G, p.Thr615Arg (NM_001406592.1, NM_001406593.1, NM_001406594.1 and 7 more transcripts); and 1 more; short protein forms T264R, T564R, T297R, T493R, T494R, T563R, T615R, T298R.
Identifiers: ClinVar variation 4554131 (VCV004554131.1).